The following is an entry in ClinVar:

ClinVar aggregate classification (germline): Likely pathogenic. Review status: criteria provided, multiple submitters, no conflicts (2 of 4 stars). 3 submissions from 3 submitters: Likely pathogenic (2). 1 of the submissions does not count toward it. Last evaluated 2025-04-17.

Conditions:
Very long chain acyl-CoA dehydrogenase deficiency (ACADVLD). Also called: Very Long-Chain Acyl-Coenzyme A Dehydrogenase Deficiency; VLCAD Deficiency. Identifiers: Orphanet 26793, MedGen C3887523, MONDO:0008723, OMIM 201475.

Allele frequency attached by ClinVar (database versions not stated): gnomAD exomes below 0.00001 and 0.00001.
gnomAD v4.1: 11 of 1,614,112 alleles (0.00068%); highest among the groups gnomAD compares: Non-Finnish European, 0.00093%; no homozygotes.

Submissions (3):

Natera, Inc.
Classification: Likely pathogenic for Very long chain acyl-CoA dehydrogenase deficiency. Last evaluated: 2025-04-17. Review status: criteria provided, single submitter. Criteria: Natera Variant Classification Schema (03/2026). Collection method: clinical testing. Allele origin: germline.
Comment: The c.1923G>C variant in ACADVL is a missense variant predicted to cause substitution of leucine to phenylalanine at amino acid 641. This variant is rare in the general population with a frequency below the threshold expected for the associated phenotype(s). This variant has been observed in one or more individuals affected with the associated recessive disease, as either homozygous or compound heterozygous with a second variant (PMID: 27246109). This variant has been identified in one or more affected individuals with a phenotype highly consistent with the associated gene (PMID: 27246109). Computational prediction algorithms indicate this variant is likely to affect gene or protein function. Given the available evidence, this variant is classified as Likely Pathogenic.

Labcorp Genetics (formerly Invitae), Labcorp
Classification: Likely pathogenic for Very long chain acyl-CoA dehydrogenase deficiency. Last evaluated: 2023-05-22. Review status: criteria provided, single submitter. Criteria: Invitae Variant Classification Sherloc (09022015). Collection method: clinical testing. Allele origin: germline.
Comment: This sequence change replaces leucine, which is neutral and non-polar, with phenylalanine, which is neutral and non-polar, at codon 641 of the ACADVL protein (p.Leu641Phe). In summary, the currently available evidence indicates that the variant is pathogenic, but additional data are needed to prove that conclusively. Therefore, this variant has been classified as Likely Pathogenic. Advanced modeling of protein sequence and biophysical properties (such as structural, functional, and spatial information, amino acid conservation, physicochemical variation, residue mobility, and thermodynamic stability) performed at Invitae indicates that this missense variant is expected to disrupt ACADVL protein function. ClinVar contains an entry for this variant (Variation ID: 553283). This missense change has been observed in individual(s) with very long-chain acyl-CoA dehydrogenase deficiency (PMID: 27246109, 31031081). This variant is present in population databases (no rsID available, gnomAD 0.0009%).

Counsyl
Classification: Uncertain significance for Very long chain acyl-CoA dehydrogenase deficiency. Last evaluated: 2017-08-23. Review status: no assertion criteria provided. Collection method: clinical testing. Allele origin: unknown. Not counted in ClinVar's aggregate classification.

Literature cited by the submitters: PubMed 27246109 (cited by 3 submitters); PubMed 31031081 (cited by Labcorp Genetics (formerly Invitae), Labcorp).

NM_000018.4(ACADVL):c.1923G>C (p.Leu641Phe)

Gene: ACADVL (acyl-CoA dehydrogenase very long chain; plus strand). Cytogenetic location: 17p13.1.
Variant type: single nucleotide variant.
Coding change: c.1923G>C on transcript NM_000018.4 (MANE Select); coding-DNA position 1923, G replaced by C.
Protein change: p.Leu641Phe; replaces leucine 641 with phenylalanine.
Molecular consequence: missense variant.
Genome position (GRCh38, 1-based): chr17:7,225,052, G>C. VCF-style: chr17-7225052-G-C. GRCh37 (hg19) VCF-style: chr17-7128371-G-C.
Other names: c.1857G>C, p.Leu619Phe (NM_001033859.3); c.1992G>C, p.Leu664Phe (NM_001270447.2); c.1695G>C, p.Leu565Phe (NM_001270448.2); short protein forms L641F, L565F, L619F, L664F.
Identifiers: ClinVar variation 553283 (VCV000553283.10), dbSNP rs1452402269, ClinGen allele CA397726187.